The following is an entry in ClinVar:

NM_000268.4(NF2):c.1126C>T (p.Arg376Trp)

Gene: NF2 (NF2, moesin-ezrin-radixin like (MERLIN) tumor suppressor; plus strand). Cytogenetic location: 22q12.2.
Variant type: single nucleotide variant.
Coding change: c.1126C>T on transcript NM_000268.4 (MANE Select); coding-DNA position 1126, C replaced by T.
Protein change: p.Arg376Trp; replaces arginine 376 with tryptophan.
Molecular consequence: missense variant. On other transcripts: non-coding transcript variant (1), intron variant (1).
Genome position (GRCh38, 1-based): chr22:29,673,272, C>T. VCF-style: chr22-29673272-C-T. GRCh37 (hg19) VCF-style: chr22-30069261-C-T.
Other names: c.1126C>T, p.Arg376Trp (NM_016418.5, NM_181825.3, NM_181832.3); c.1000C>T, p.Arg334Trp (NM_181828.3); c.1003C>T, p.Arg335Trp (NM_181829.3); c.877C>T, p.Arg293Trp (NM_181830.3, NM_181831.3); c.448-21480C>T (NM_181833.3); short protein forms R376W, R334W, R335W, R293W.
Identifiers: ClinVar variation 952483 (VCV000952483.13), dbSNP rs867367858, ClinGen allele CA323116556.
Genomic context (GRCh38, chr22:29,673,272, plus strand): 5'-TCTGGGCGGGAGAACAGCACATGATCCCACTTCAGCTAAGAGCACTGTGCCCTCCAGATG[C>T]GGTCTGAGGAGACAGCTGACCTGTTGGCTGAAAAGGCCCAGATCACCGAGGAGGAGGCAA-3'
Protein context (NP_000259.1, residues 366-386): EATMANEALM[Arg376Trp]SEETADLLAE

ClinVar aggregate classification (germline): Uncertain significance. Review status: criteria provided, multiple submitters, no conflicts (2 of 4 stars). 2 submissions from 2 submitters: Uncertain significance (2). Last evaluated 2025-01-16.

Conditions:
Hereditary cancer-predisposing syndrome. Also called: Tumor predisposition; Hereditary Cancer Syndrome; Neoplastic Syndromes, Hereditary; Hereditary neoplastic syndrome. Identifiers: Orphanet 140162, MedGen C0027672, MeSH D009386, MONDO:0015356.
Neurofibromatosis, type 2 (SWNV). Also called: BILATERAL ACOUSTIC NEUROFIBROMATOSIS; SCHWANNOMATOSIS, VESTIBULAR; NF2-Related Schwannomatosis. Identifiers: Orphanet 637, MedGen C0027832, MONDO:0007039, OMIM 101000. Disease mechanism: loss of function.

Allele frequency attached by ClinVar (database versions not stated): gnomAD exomes below 0.00001 and 0.00001.
gnomAD v4.1: 6 of 1,568,038 alleles (0.00038%); highest among the groups gnomAD compares: African/African-American, 0.0013%; no homozygotes.

Submissions (2):

Ambry Genetics
Classification: Uncertain significance for Hereditary cancer-predisposing syndrome. Last evaluated: 2025-01-16. Review status: criteria provided, single submitter. Criteria: Ambry Variant Classification Scheme 2023. Collection method: clinical testing. Allele origin: germline.
Comment: The p.R376W variant (also known as c.1126C>T), located in coding exon 12 of the NF2 gene, results from a C to T substitution at nucleotide position 1126. The arginine at codon 376 is replaced by tryptophan, an amino acid with dissimilar properties. This amino acid position is highly conserved in available vertebrate species. In addition, this alteration is predicted to be deleterious by in silico analysis. Since supporting evidence is limited at this time, the clinical significance of this alteration remains unclear.

Labcorp Genetics (formerly Invitae), Labcorp
Classification: Uncertain significance for Neurofibromatosis, type 2. Last evaluated: 2025-01-13. Review status: criteria provided, single submitter. Criteria: Invitae Variant Classification Sherloc (09022015). Collection method: clinical testing. Allele origin: germline.
Comment: This sequence change replaces arginine, which is basic and polar, with tryptophan, which is neutral and slightly polar, at codon 376 of the NF2 protein (p.Arg376Trp). The frequency data for this variant in the population databases is considered unreliable, as metrics indicate poor data quality at this position in the gnomAD database. This variant has not been reported in the literature in individuals affected with NF2-related conditions. ClinVar contains an entry for this variant (Variation ID: 952483). Invitae Evidence Modeling of protein sequence and biophysical properties (such as structural, functional, and spatial information, amino acid conservation, physicochemical variation, residue mobility, and thermodynamic stability) has been performed for this missense variant. However, the output from this modeling did not meet the statistical confidence thresholds required to predict the impact of this variant on NF2 protein function. In summary, the available evidence is currently insufficient to determine the role of this variant in disease. Therefore, it has been classified as a Variant of Uncertain Significance.